The following is an entry in ClinVar:

NM_022896.3(LPIN3):c.59G>A (p.Arg20Gln)

Gene: LPIN3 (lipin 3; plus strand). Cytogenetic location: 20q12.
Variant type: single nucleotide variant.
Coding change: c.59G>A on transcript NM_022896.3 (MANE Select); coding-DNA position 59, G replaced by A.
Protein change: p.Arg20Gln; replaces arginine 20 with glutamine.
Molecular consequence: missense variant. On other transcripts: non-coding transcript variant (1).
Genome position (GRCh38, 1-based): chr20:41,345,862, G>A. VCF-style: chr20-41345862-G-A. GRCh37 (hg19) VCF-style: chr20-39974502-G-A.
Other names: c.59G>A, p.Arg20Gln (NM_001301860.2); short protein forms R20Q.
Identifiers: ClinVar variation 781901 (VCV000781901.11), dbSNP rs75620173, ClinGen allele CA9860212.

ClinVar aggregate classification (germline): Benign. Review status: criteria provided, multiple submitters, no conflicts (2 of 4 stars). 3 submissions from 3 submitters: Benign (3). Last evaluated 2025-03-01.

Allele frequency attached by ClinVar (database versions not stated): 1000 Genomes Project 0.00419; 1000 Genomes Project 30x 0.00468; ExAC 0.00889; gnomAD exomes 0.00890 and 0.01110; ESP Exome Variant Server 0.00892; gnomAD 0.00956 and 0.00987; TOPMed 0.01009.
gnomAD v4.1: 17,662 of 1,614,190 alleles (1.1%); highest among the groups gnomAD compares: Admixed American, 1.4%; 134 homozygotes.

Submissions (3):

CeGaT Center for Human Genetics Tuebingen
Classification: Benign. Last evaluated: 2025-03-01. Review status: criteria provided, single submitter. Criteria: CeGaT Center For Human Genetics Tuebingen Variant Classification Criteria Version 2. Collection method: clinical testing. Allele origin: germline. Affected: yes. Observed: 1 variant allele.
Comment: LPIN3: BP4, BS1, BS2

Labcorp Genetics (formerly Invitae), Labcorp
Classification: Benign. Last evaluated: 2018-03-29. Review status: criteria provided, single submitter. Criteria: Invitae Variant Classification Sherloc (09022015). Collection method: clinical testing. Allele origin: germline.

Breakthrough Genomics
Classification: Benign. Review status: criteria provided, single submitter. Criteria: ACMG Guidelines, 2015. Collection method: not provided. Allele origin: germline. Inheritance: Unknown mechanism. Affected: yes.